The following is an entry in ClinVar:

ClinVar aggregate classification (germline): Uncertain significance. Review status: criteria provided, multiple submitters, no conflicts (2 of 4 stars). 2 submissions from 2 submitters: Uncertain significance (2). Last evaluated 2024-01-19.

Conditions:
Inborn genetic diseases. Identifiers: MedGen C0950123, MeSH D030342.

Allele frequency attached by ClinVar (database versions not stated): gnomAD 0.00011 and 0.00013; gnomAD exomes 0.00015; TOPMed 0.00015; ExAC 0.00018.
gnomAD v4.1: 254 of 1,608,324 alleles (0.016%); highest among the groups gnomAD compares: Middle Eastern, 0.082%; no homozygotes.

Submissions (2):

Ambry Genetics
Classification: Uncertain significance for Inborn genetic diseases. Last evaluated: 2024-01-19. Review status: criteria provided, single submitter. Criteria: Ambry Variant Classification Scheme 2023. Collection method: clinical testing. Allele origin: germline.

Labcorp Genetics (formerly Invitae), Labcorp
Classification: Uncertain significance. Last evaluated: 2021-11-05. Review status: criteria provided, single submitter. Criteria: Invitae Variant Classification Sherloc (09022015). Collection method: clinical testing. Allele origin: germline.
Comment: This sequence change replaces aspartic acid, which is acidic and polar, with glutamic acid, which is acidic and polar, at codon 212 of the TRAPPC12 protein (p.Asp212Glu). This variant is present in population databases (rs777185825, gnomAD 0.03%). This variant has not been reported in the literature in individuals affected with TRAPPC12-related conditions. Algorithms developed to predict the effect of missense changes on protein structure and function output the following: SIFT: "Not Available"; PolyPhen-2: "Benign"; Align-GVGD: "Not Available". The glutamic acid amino acid residue is found in multiple mammalian species, which suggests that this missense change does not adversely affect protein function. In summary, the available evidence is currently insufficient to determine the role of this variant in disease. Therefore, it has been classified as a Variant of Uncertain Significance.

NM_016030.6(TRAPPC12):c.636C>G (p.Asp212Glu)

Gene: TRAPPC12 (trafficking protein particle complex subunit 12; plus strand). Cytogenetic location: 2p25.3.
Variant type: single nucleotide variant.
Coding change: c.636C>G on transcript NM_016030.6 (MANE Select); coding-DNA position 636, C replaced by G.
Protein change: p.Asp212Glu; replaces aspartic acid 212 with glutamic acid.
Molecular consequence: missense variant.
Genome position (GRCh38, 1-based): chr2:3,388,259, C>G. VCF-style: chr2-3388259-C-G. GRCh37 (hg19) VCF-style: chr2-3392030-C-G.
Other names: c.636C>G, p.Asp212Glu (NM_001321102.2); c.636C>G (NM_016030.5); short protein forms D212E.
Identifiers: ClinVar variation 1358105 (VCV001358105.4), dbSNP rs777185825, ClinGen allele CA1515124.